The following is an entry in ClinVar:

ClinVar aggregate classification (germline): Likely benign (0 of 4 stars; one submission).

Conditions:
PHIP-related disorder. Also called: PHIP-related condition; PHIP-related disorders.

gnomAD v4.1: 17 of 1,528,732 alleles (0.0011%); highest among the groups gnomAD compares: Non-Finnish European, 0.0015%; no homozygotes.

Submission:

PreventionGenetics, part of Exact Sciences
Classification: Likely benign for PHIP-related condition. Last evaluated: 2023-08-17. Review status: no assertion criteria provided. Collection method: clinical testing. Allele origin: germline.
Comment: This variant is classified as likely benign based on ACMG/AMP sequence variant interpretation guidelines (Richards et al. 2015 PMID: 25741868, with internal and published modifications).

NM_017934.7(PHIP):c.923+7T>G

Gene: PHIP (PHIP subunit of CUL4-Ring ligase complex; minus strand). Cytogenetic location: 6q14.1.
Variant type: single nucleotide variant.
Coding change: c.923+7T>G on transcript NM_017934.7 (MANE Select); 7 bases into the intron after coding-DNA position 923, T replaced by G.
Molecular consequence: intron variant.
Genome position (GRCh38, 1-based): chr6:79,025,512, A>C on the plus strand (T>G on the coding strand, the complement: PHIP is on the minus strand). VCF-style: chr6-79025512-A-C. GRCh37 (hg19) VCF-style: chr6-79735229-A-C.
Identifiers: ClinVar variation 3351529 (VCV003351529.1).